The following is an entry in ClinVar:

NM_020366.4(RPGRIP1):c.415G>C (p.Ala139Pro)

Gene: RPGRIP1 (RPGR interacting protein 1; plus strand). Cytogenetic location: 14q11.2.
Variant type: single nucleotide variant.
Coding change: c.415G>C on transcript NM_020366.4 (MANE Select); coding-DNA position 415, G replaced by C.
Protein change: p.Ala139Pro; replaces alanine 139 with proline.
Molecular consequence: missense variant.
Genome position (GRCh38, 1-based): chr14:21,301,162, G>C. VCF-style: chr14-21301162-G-C. GRCh37 (hg19) VCF-style: chr14-21769321-G-C.
Other names: short protein forms A139P.
Identifiers: ClinVar variation 1953567 (VCV001953567.5), dbSNP rs763210717, ClinGen allele CA388859215.

ClinVar aggregate classification (germline): Uncertain significance (1 of 4 stars; one submission).

Conditions:
Leber congenital amaurosis 6 (LCA6). Identifiers: Orphanet 65, MedGen C1854260, MONDO:0013446, OMIM 613826.
Cone-rod dystrophy 13 (CORD13). Identifiers: Orphanet 1872, MedGen C2750720, MONDO:0011987, OMIM 608194.

Submission:

Labcorp Genetics (formerly Invitae), Labcorp
Classification: Uncertain significance for Leber congenital amaurosis 6; Cone-rod dystrophy 13. Last evaluated: 2022-05-06. Review status: criteria provided, single submitter. Criteria: Invitae Variant Classification Sherloc (09022015). Collection method: clinical testing. Allele origin: germline.
Comment: In summary, the available evidence is currently insufficient to determine the role of this variant in disease. Therefore, it has been classified as a Variant of Uncertain Significance. Algorithms developed to predict the effect of missense changes on protein structure and function output the following: SIFT: "Tolerated"; PolyPhen-2: "Benign"; Align-GVGD: "Class C0". The proline amino acid residue is found in multiple mammalian species, which suggests that this missense change does not adversely affect protein function. This variant has not been reported in the literature in individuals affected with RPGRIP1-related conditions. This variant is present in population databases (no rsID available, gnomAD 0.002%). This sequence change replaces alanine, which is neutral and non-polar, with proline, which is neutral and non-polar, at codon 139 of the RPGRIP1 protein (p.Ala139Pro).